The following is an entry in ClinVar:

ClinVar aggregate classification (germline): Pathogenic/Likely pathogenic. Review status: criteria provided, multiple submitters, no conflicts (2 of 4 stars). 3 submissions from 3 submitters: Pathogenic (2); Likely pathogenic (1). Last evaluated 2025-10-14.

Conditions:
Neuronal ceroid lipofuscinosis 5 (CLN5). Also called: Neuronal ceroid lipofuscinosis Finnish variant; NEURONAL CEROID LIPOFUSCINOSIS, LATE INFANTILE, FINNISH VARIANT; CEROID LIPOFUSCINOSIS, NEURONAL, 5, VARIABLE AGE AT ONSET; CLN5-Related Neuronal Ceroid-Lipofuscinosis. Identifiers: Orphanet 168491, Orphanet 228360, MedGen C1850442, MONDO:0009745, OMIM 256731.
Neuronal ceroid lipofuscinosis. Also called: Neuronal Ceroid Lipofuscinoses. Identifiers: Orphanet 216, Orphanet 79263, MedGen C0027877, MONDO:0016295. Disease mechanism: loss of function.

Submissions (3):

Natera, Inc.
Classification: Likely pathogenic for Neuronal ceroid lipofuscinosis. Last evaluated: 2025-10-14. Review status: criteria provided, single submitter. Criteria: Natera Variant Classification Schema (03/2026). Collection method: clinical testing. Allele origin: germline.
Comment: The c.259del variant in CLN5 is a frameshift variant predicted to shift the reading frame beginning at codon 87 and leads to a stop codon 76 codons downstream. This variant is expected to result in nonsense mediated decay, truncation, or a dysfunctional protein product. This variant is rare in the general population with a frequency below the threshold expected for the associated phenotype(s). Given the available evidence, this variant is classified as Likely Pathogenic.

Genome-Nilou Lab
Classification: Pathogenic for Neuronal ceroid lipofuscinosis 5. Last evaluated: 2021-08-10. Review status: criteria provided, single submitter. Criteria: ACMG Guidelines, 2015. Collection method: clinical testing. Allele origin: germline. Affected: no.

Labcorp Genetics (formerly Invitae), Labcorp
Classification: Pathogenic for Neuronal ceroid lipofuscinosis. Last evaluated: 2019-07-26. Review status: criteria provided, single submitter. Criteria: Invitae Variant Classification Sherloc (09022015). Collection method: clinical testing. Allele origin: germline.
Comment: For these reasons, this variant has been classified as Pathogenic. Loss-of-function variants in CLN5 are known to be pathogenic (PMID: 20157158). This variant has not been reported in the literature in individuals with CLN5-related conditions. This variant is not present in population databases (ExAC no frequency). This sequence change creates a premature translational stop signal (p.Val87Phefs*76) in the CLN5 gene. It is expected to result in an absent or disrupted protein product.

Literature cited by the submitters: PubMed 20157158 (cited by Labcorp Genetics (formerly Invitae), Labcorp).

NM_006493.4(CLN5):c.112del (p.Val38fs)

Genes: CLN5 (CLN5 lysosomal BMP synthase; plus strand), LOC130009913 (ATAC-STARR-seq lymphoblastoid silent region 5414; plus strand). Cytogenetic location: 13q22.3.
Variant type: Deletion.
Coding change: c.112del on transcript NM_006493.4 (MANE Select); coding-DNA position 112, one base deleted (G; older notation c.112delG).
Protein change: p.Val38fs; shifts the reading frame from valine 38.
Molecular consequence: frameshift variant.
Genome position (GRCh38, 1-based): chr13:76,992,210, G deleted; the last of 2 consecutive G bases (chr13:76,992,209-76,992,210); deleting either gives the same sequence. VCF-style (leftmost placement, unchanged base first): chr13-76992208-TG-T. GRCh37 (hg19) VCF-style: chr13-77566343-TG-T.
Other names: c.112del, p.Val38fs (NM_001366624.2); short protein forms V38fs.
Identifiers: ClinVar variation 946204 (VCV000946204.13), dbSNP rs2034190303, ClinGen allele CA1139663332.